The following is an entry in ClinVar:

NM_014045.5(LRP10):c.891C>T (p.Gly297=)

Gene: LRP10 (LDL receptor related protein 10; plus strand). Cytogenetic location: 14q11.2.
Variant type: single nucleotide variant.
Coding change: c.891C>T on transcript NM_014045.5 (MANE Select); coding-DNA position 891, C replaced by T.
Protein change: p.Gly297=; no amino-acid change (glycine 297 retained).
Molecular consequence: synonymous variant.
Genome position (GRCh38, 1-based): chr14:22,875,839, C>T. VCF-style: chr14-22875839-C-T. GRCh37 (hg19) VCF-style: chr14-23345048-C-T.
Other names: c.891C>T, p.Gly297= (NM_001329226.2).
Identifiers: ClinVar variation 2644080 (VCV002644080.24), dbSNP rs768801096, ClinGen allele CA7105818.
Genomic context (GRCh38, chr14:22,875,839, plus strand): 5'-GACACTGTCTGGCCAGGCTGTTGTGTCCTACCACACAGTTGCTTGGAGCAATGGTCGTGG[C>T]TTCAATGCCACCTACCATGTGCGGGGCTATTGCTTGCCTTGGGACAGACCCTGTGGCTTA-3'
Protein context (NP_054764.2, residues 287-307): YHTVAWSNGR[Gly297=]FNATYHVRGY

ClinVar aggregate classification (germline): Likely benign (1 of 4 stars; one submission).

Allele frequency attached by ClinVar (database versions not stated): ExAC 0.00021; gnomAD 0.00023; gnomAD exomes 0.00029.

Submission:

CeGaT Center for Human Genetics Tuebingen
Classification: Likely benign. Last evaluated: 2022-06-01. Review status: criteria provided, single submitter. Criteria: CeGaT Center For Human Genetics Tuebingen Variant Classification Criteria Version 2. Collection method: clinical testing. Allele origin: germline. Affected: yes. Observed: 1 variant allele.
Comment: LRP10: BP4, BP7